The following is an entry in ClinVar:

NM_004525.3(LRP2):c.11936G>T (p.Cys3979Phe)

Gene: LRP2 (LDL receptor related protein 2; minus strand). Cytogenetic location: 2q31.1.
Variant type: single nucleotide variant.
Coding change: c.11936G>T on transcript NM_004525.3 (MANE Select); coding-DNA position 11936, G replaced by T.
Protein change: p.Cys3979Phe; replaces cysteine 3979 with phenylalanine.
Molecular consequence: missense variant.
Genome position (GRCh38, 1-based): chr2:169,157,454, C>A on the plus strand (G>T on the coding strand, the complement: LRP2 is on the minus strand). VCF-style: chr2-169157454-C-A. GRCh37 (hg19) VCF-style: chr2-170013964-C-A.
Other names: short protein forms C3979F.
Identifiers: ClinVar variation 1479223 (VCV001479223.6), dbSNP rs2105363124, ClinGen allele CA349138392.

ClinVar aggregate classification (germline): Uncertain significance (1 of 4 stars; one submission).

Submission:

Labcorp Genetics (formerly Invitae), Labcorp
Classification: Uncertain significance. Last evaluated: 2022-12-02. Review status: criteria provided, single submitter. Criteria: Invitae Variant Classification Sherloc (09022015). Collection method: clinical testing. Allele origin: germline.
Comment: In summary, the available evidence is currently insufficient to determine the role of this variant in disease. Therefore, it has been classified as a Variant of Uncertain Significance. Advanced modeling of protein sequence and biophysical properties (such as structural, functional, and spatial information, amino acid conservation, physicochemical variation, residue mobility, and thermodynamic stability) performed at Invitae indicates that this missense variant is not expected to disrupt LRP2 protein function. ClinVar contains an entry for this variant (Variation ID: 1479223). This variant has not been reported in the literature in individuals affected with LRP2-related conditions. This variant is not present in population databases (gnomAD no frequency). This sequence change replaces cysteine, which is neutral and slightly polar, with phenylalanine, which is neutral and non-polar, at codon 3979 of the LRP2 protein (p.Cys3979Phe).